The following is an entry in ClinVar:

NM_000379.4(XDH):c.2457-2A>G

Gene: XDH (xanthine dehydrogenase; minus strand). Cytogenetic location: 2p23.1.
Variant type: single nucleotide variant.
Coding change: c.2457-2A>G on transcript NM_000379.4 (MANE Select); the canonical splice acceptor site of the intron before coding-DNA position 2457, A replaced by G.
Molecular consequence: splice acceptor variant.
Genome position (GRCh38, 1-based): chr2:31,365,546, T>C on the plus strand (A>G on the coding strand, the complement: XDH is on the minus strand). VCF-style: chr2-31365546-T-C. GRCh37 (hg19) VCF-style: chr2-31588412-T-C.
Identifiers: ClinVar variation 2140318 (VCV002140318.4), dbSNP rs1408237135, ClinGen allele CA346503808.

ClinVar aggregate classification (germline): Likely pathogenic (1 of 4 stars; one submission).

Conditions:
Xanthinuria type II. Also called: Xanthine dehydrogenase and aldehyde oxidase combined deficiency of; XDH and AOX dual deficiency. Identifiers: Orphanet 3467, Orphanet 93602, MedGen C1863688, MONDO:0011346, OMIM 603592.

Allele frequency attached by ClinVar (database versions not stated): gnomAD 0.00001; TOPMed 0.00002.

Submission:

Labcorp Genetics (formerly Invitae), Labcorp
Classification: Likely pathogenic for Xanthinuria type II. Last evaluated: 2022-05-20. Review status: criteria provided, single submitter. Criteria: Invitae Variant Classification Sherloc (09022015). Collection method: clinical testing. Allele origin: germline.
Comment: This sequence change affects an acceptor splice site in intron 22 of the XDH gene. It is expected to disrupt RNA splicing. Variants that disrupt the donor or acceptor splice site typically lead to a loss of protein function (PMID: 16199547), and loss-of-function variants in XDH are known to be pathogenic (PMID: 9153281). In summary, the currently available evidence indicates that the variant is pathogenic, but additional data are needed to prove that conclusively. Therefore, this variant has been classified as Likely Pathogenic. Algorithms developed to predict the effect of sequence changes on RNA splicing suggest that this variant may disrupt the consensus splice site. This variant has not been reported in the literature in individuals affected with XDH-related conditions. This variant is not present in population databases (gnomAD no frequency).

Literature cited by the submitters: PubMed 16199547; PubMed 9153281.